The following is an entry in ClinVar:

ClinVar aggregate classification (germline): Uncertain significance. Review status: criteria provided, multiple submitters, no conflicts (2 of 4 stars). 2 submissions from 2 submitters: Uncertain significance (2). Last evaluated 2021-12-11.

Conditions:
Hereditary cancer-predisposing syndrome. Also called: Neoplastic Syndromes, Hereditary; Tumor predisposition; Hereditary Cancer Syndrome; Hereditary neoplastic syndrome. Identifiers: Orphanet 140162, MedGen C0027672, MeSH D009386, MONDO:0015356.

gnomAD v4.1: 1 of 1,613,450 alleles (0.000062%); highest among the groups gnomAD compares: Admixed American, 0.0017%; no homozygotes.

Submissions (2):

Labcorp Genetics (formerly Invitae), Labcorp
Classification: Uncertain significance for Hereditary cancer-predisposing syndrome. Last evaluated: 2021-12-11. Review status: criteria provided, single submitter. Criteria: Invitae Variant Classification Sherloc (09022015). Collection method: clinical testing. Allele origin: germline.
Comment: This sequence change replaces glutamic acid, which is acidic and polar, with glycine, which is neutral and non-polar, at codon 231 of the RAD50 protein (p.Glu231Gly). This variant is not present in population databases (gnomAD no frequency). This variant has not been reported in the literature in individuals affected with RAD50-related conditions. Algorithms developed to predict the effect of missense changes on protein structure and function (SIFT, PolyPhen-2, Align-GVGD) all suggest that this variant is likely to be disruptive. In summary, the available evidence is currently insufficient to determine the role of this variant in disease. Therefore, it has been classified as a Variant of Uncertain Significance.

Ambry Genetics
Classification: Uncertain significance for Hereditary cancer-predisposing syndrome. Last evaluated: 2017-10-25. Review status: criteria provided, single submitter. Criteria: Ambry Variant Classification Scheme 2023. Collection method: clinical testing. Allele origin: germline.
Comment: The p.E231G variant (also known as c.692A>G), located in coding exon 5 of the RAD50 gene, results from an A to G substitution at nucleotide position 692. The glutamic acid at codon 231 is replaced by glycine, an amino acid with similar properties. This amino acid position is highly conserved in available vertebrate species. In addition, the in silico prediction for this alteration is inconclusive. Since supporting evidence is limited at this time, the clinical significance of this alteration remains unclear.

NM_005732.4(RAD50):c.692A>G (p.Glu231Gly)

Gene: RAD50 (RAD50 double strand break repair protein; plus strand). Cytogenetic location: 5q31.1.
Variant type: single nucleotide variant.
Coding change: c.692A>G on transcript NM_005732.4 (MANE Select); coding-DNA position 692, A replaced by G.
Protein change: p.Glu231Gly; replaces glutamic acid 231 with glycine.
Molecular consequence: missense variant.
Genome position (GRCh38, 1-based): chr5:132,580,002, A>G. VCF-style: chr5-132580002-A-G. GRCh37 (hg19) VCF-style: chr5-131915694-A-G.
Other names: short protein forms E231G.
Identifiers: ClinVar variation 1756194 (VCV001756194.7), dbSNP rs757472687, ClinGen allele CA3405011.